The following is an entry in ClinVar:

ClinVar aggregate classification (germline): Conflicting classifications of pathogenicity. Review status: criteria provided, conflicting classifications (1 of 4 stars). 3 submissions from 3 submitters: Uncertain significance (1); Likely benign (2). Last evaluated 2025-12-29.

Conditions:
Cardiovascular phenotype. Identifiers: MedGen CN230736.
Long QT syndrome (LQTS). Identifiers: MedGen C0023976, MeSH D008133, MONDO:0002442. Disease mechanism: loss of function. Inheritance: Various modes of inheritance.

Allele frequency attached by ClinVar (database versions not stated): gnomAD exomes 0.00003 and 0.00009; gnomAD 0.00004 and 0.00007; TOPMed 0.00012; ExAC 0.00014; 1000 Genomes Project 30x 0.00078; 1000 Genomes Project 0.00080.
gnomAD v4.1: 56 of 1,613,800 alleles (0.0035%); highest among the groups gnomAD compares: East Asian, 0.12%; no homozygotes.

Submissions (3):

Labcorp Genetics (formerly Invitae), Labcorp
Classification: Likely benign for Long QT syndrome. Last evaluated: 2025-12-29. Review status: criteria provided, single submitter. Criteria: Invitae Variant Classification Sherloc (09022015). Collection method: clinical testing. Allele origin: germline.

Ambry Genetics
Classification: Likely benign for Cardiovascular phenotype. Last evaluated: 2018-09-22. Review status: criteria provided, single submitter. Criteria: Ambry Variant Classification Scheme 2023. Collection method: clinical testing. Allele origin: germline.

Biesecker Lab/Clinical Genomics Section, National Institutes of Health
Classification: Uncertain significance. Last evaluated: 2013-06-24. Review status: criteria provided, single submitter. Criteria: Ng et al. (Circ Cardiovasc Genet. 2013). Collection method: research. Allele origin: unknown. Observed: 1 variant allele. Study: ClinSeq.
Comment: The study set was not selected for affection status in relation to any cancer. Pathogenicity categories were based on literature curation. See Pubmed ID:23861362 for details.

Medical sequencing

NM_005751.5(AKAP9):c.5543C>G (p.Ser1848Cys)

Gene: AKAP9 (A-kinase anchoring protein 9; plus strand). Cytogenetic location: 7q21.2.
Variant type: single nucleotide variant.
Coding change: c.5543C>G on transcript NM_005751.5 (MANE Select); coding-DNA position 5543, C replaced by G.
Protein change: p.Ser1848Cys; replaces serine 1848 with cysteine.
Molecular consequence: missense variant.
Genome position (GRCh38, 1-based): chr7:92,052,900, C>G. VCF-style: chr7-92052900-C-G. GRCh37 (hg19) VCF-style: chr7-91682214-C-G.
Other names: c.5543C>G, p.Ser1848Cys (NM_147185.3); short protein forms S1848C.
Identifiers: ClinVar variation 191389 (VCV000191389.14), dbSNP rs189083857, ClinGen allele CA236491.